The following is an entry in ClinVar:

NM_001372044.2(SHANK3):c.3928C>T (p.Pro1310Ser)

Gene: SHANK3 (SH3 and multiple ankyrin repeat domains 3; plus strand). Cytogenetic location: 22q13.33.
Variant type: single nucleotide variant.
Coding change: c.3928C>T on transcript NM_001372044.2 (MANE Select); coding-DNA position 3928, C replaced by T.
Protein change: p.Pro1310Ser; replaces proline 1310 with serine.
Molecular consequence: missense variant.
Genome position (GRCh38, 1-based): chr22:50,721,536, C>T. VCF-style: chr22-50721536-C-T. GRCh37 (hg19) VCF-style: chr22-51159964-C-T.
Other names: c.3703C>T, p.Pro1235Ser (NM_033517.1); short protein forms P1235S, P1310S.
Identifiers: ClinVar variation 1806729 (VCV001806729.2), dbSNP rs950898129, ClinGen allele CA325579379.

ClinVar aggregate classification (germline): Uncertain significance. Review status: criteria provided, multiple submitters, no conflicts (2 of 4 stars). 2 submissions from 2 submitters: Uncertain significance (2). Last evaluated 2023-10-31.

Conditions:
Inborn genetic diseases. Identifiers: MedGen C0950123, MeSH D030342.

Allele frequency attached by ClinVar (database versions not stated): gnomAD exomes below 0.00001; gnomAD 0.00005; TOPMed 0.00009.

Submissions (2):

Ambry Genetics
Classification: Uncertain significance for Inborn genetic diseases. Last evaluated: 2023-10-31. Review status: criteria provided, single submitter. Criteria: Ambry Variant Classification Scheme 2023. Collection method: clinical testing. Allele origin: germline.

GeneDx
Classification: Uncertain significance. Last evaluated: 2022-06-24. Review status: criteria provided, single submitter. Criteria: GeneDx Variant Classification Process June 2021. Collection method: clinical testing. Allele origin: germline. Affected: yes.
Comment: In silico analysis supports that this missense variant has a deleterious effect on protein structure/function; Has not been previously published as pathogenic or benign to our knowledge